The following is an entry in ClinVar:

NM_001393892.1(PLPPR2):c.703C>T (p.Leu235=)

Gene: PLPPR2 (phospholipid phosphatase related 2; plus strand). Cytogenetic location: 19p13.2.
Variant type: single nucleotide variant.
Coding change: c.703C>T on transcript NM_001393892.1 (MANE Select); coding-DNA position 703, C replaced by T.
Protein change: p.Leu235=; no amino-acid change (leucine 235 retained).
Molecular consequence: synonymous variant.
Genome position (GRCh38, 1-based): chr19:11,362,552, C>T. VCF-style: chr19-11362552-C-T. GRCh37 (hg19) VCF-style: chr19-11473228-C-T.
Other names: c.628C>T, p.Leu210= (NM_001170635.2, NM_001393895.1, NM_001393896.1); c.703C>T, p.Leu235= (NM_001393893.1, NM_001393894.1, NM_022737.3).
Identifiers: ClinVar variation 2649326 (VCV002649326.24), dbSNP rs2513470398, ClinGen allele CA505503727.

ClinVar aggregate classification (germline): Likely benign (1 of 4 stars; one submission).

Submission:

CeGaT Center for Human Genetics Tuebingen
Classification: Likely benign. Last evaluated: 2022-08-01. Review status: criteria provided, single submitter. Criteria: CeGaT Center For Human Genetics Tuebingen Variant Classification Criteria Version 2. Collection method: clinical testing. Allele origin: germline. Affected: yes. Observed: 1 variant allele.
Comment: PLPPR2: PM2:Supporting, BP4, BP7